The following is an entry in ClinVar:

NM_198525.3(KIF7):c.516G>A (p.Glu172=)

Gene: KIF7 (kinesin family member 7; minus strand). Cytogenetic location: 15q26.1.
Variant type: single nucleotide variant.
Coding change: c.516G>A on transcript NM_198525.3 (MANE Select); coding-DNA position 516, G replaced by A.
Protein change: p.Glu172=; no amino-acid change (glutamic acid 172 retained).
Molecular consequence: synonymous variant.
Genome position (GRCh38, 1-based): chr15:89,649,754, C>T on the plus strand (G>A on the coding strand, the complement: KIF7 is on the minus strand). VCF-style: chr15-89649754-C-T. GRCh37 (hg19) VCF-style: chr15-90192985-C-T.
Identifiers: ClinVar variation 96656 (VCV000096656.50), dbSNP rs199959946, ClinGen allele CA020421.
Genomic context (GRCh38, chr15:89,649,754, plus strand): 5'-CCCCCCTAAGCCCCTCTCCGTCAGTGGAGGACCCCAGAGTTCCTCACCAACATTCCCGCG[C>T]TCATCTTCCCGGAGCTGGATGTCACGGCTGGCAGTGCCCACCTCGAGCAGGTCTCGGAAC-3'
Protein context (NP_940927.2, residues 162-182): ASRDIQLRED[Glu172=]RGNVVLCGVK

ClinVar aggregate classification (germline): Conflicting classifications of pathogenicity. Review status: criteria provided, conflicting classifications (1 of 4 stars). 7 submissions from 7 submitters: Uncertain significance (1); Benign (1); Likely benign (4). 1 of the submissions does not count toward it. Last evaluated 2026-01-28.

Conditions:
KIF7-related disorder. Also called: KIF7-related condition.
Acrocallosal syndrome (ACLS). Also called: HALLUX DUPLICATION, POSTAXIAL POLYDACTYLY, AND ABSENCE OF CORPUS CALLOSUM; Schinzel syndrome 1; Absence of corpus callosum with unusual facial appearance, mental deficiency, duplication of the halluces and polydactyly. Identifiers: Orphanet 36, MedGen C0796147, MONDO:0008708, OMIM 200990.

Allele frequency attached by ClinVar (database versions not stated): gnomAD 0.00029 and 0.00032; gnomAD exomes 0.00030 and 0.00087; TOPMed 0.00037; ESP Exome Variant Server 0.00044; ExAC 0.00144.
gnomAD v4.1: 514 of 1,551,778 alleles (0.033%); highest among the groups gnomAD compares: Admixed American, 0.0078%; 6 homozygotes.

Submissions (7):

Labcorp Genetics (formerly Invitae), Labcorp
Classification: Benign for Acrocallosal syndrome. Last evaluated: 2026-01-28. Review status: criteria provided, single submitter. Criteria: Invitae Variant Classification Sherloc (09022015). Collection method: clinical testing. Allele origin: germline.

Blueprint Genetics
Classification: Likely benign. Last evaluated: 2024-11-21. Review status: criteria provided, single submitter. Criteria: ACMG Guidelines, 2015. Collection method: clinical testing. Allele origin: germline.

CeGaT Center for Human Genetics Tuebingen
Classification: Likely benign. Last evaluated: 2024-07-01. Review status: criteria provided, single submitter. Criteria: CeGaT Center For Human Genetics Tuebingen Variant Classification Criteria Version 2. Collection method: clinical testing. Allele origin: germline. Affected: yes. Observed: 4 variant alleles.
Comment: KIF7: BP4, BP7

Eurofins Ntd Llc (ga)
Classification: Likely benign. Last evaluated: 2018-03-27. Review status: criteria provided, single submitter. Criteria: EGL ClinVar v180209 classification definitions. Collection method: clinical testing. Allele origin: germline. Observed: 2 variant alleles, 2 heterozygotes.

Illumina Laboratory Services, Illumina
Classification: Likely benign for Acrocallosal syndrome. Last evaluated: 2018-01-13. Review status: criteria provided, single submitter. Criteria: ICSL Variant Classification Criteria 13 December 2019. Collection method: clinical testing. Allele origin: germline.
Comment: This variant was observed in the ICSL laboratory as part of a predisposition screen in an ostensibly healthy population. It had not been previously curated by ICSL or reported in the Human Gene Mutation Database (HGMD: prior to June 1st, 2018), and was therefore a candidate for classification through an automated scoring system. Utilizing variant allele frequency, disease prevalence and penetrance estimates, and inheritance mode, an automated score was calculated to assess if this variant is too frequent to cause the disease. Based on the score and internal cut-off values, a variant classified as likely benign is not then subjected to further curation. The score for this variant resulted in a classification of likely benign for this disease.

Genetic Services Laboratory, University of Chicago
Classification: Uncertain significance. Last evaluated: 2014-06-27. Review status: criteria provided, single submitter. Criteria: ACMG Guidelines, 2015. Collection method: clinical testing. Allele origin: germline.

PreventionGenetics, part of Exact Sciences
Classification: Benign for KIF7-related condition. Last evaluated: 2019-07-19. Review status: no assertion criteria provided. Collection method: clinical testing. Allele origin: germline. Not counted in ClinVar's aggregate classification.
Comment: This variant is classified as benign based on ACMG/AMP sequence variant interpretation guidelines (Richards et al. 2015 PMID: 25741868, with internal and published modifications).